The following is an entry in ClinVar:

NM_001999.4(FBN2):c.5353+6C>A

Gene: FBN2 (fibrillin 2; minus strand). Cytogenetic location: 5q23.3.
Variant type: single nucleotide variant.
Coding change: c.5353+6C>A on transcript NM_001999.4 (MANE Select); 6 bases into the intron after coding-DNA position 5353, C replaced by A.
Molecular consequence: intron variant.
Genome position (GRCh38, 1-based): chr5:128,309,241, G>T on the plus strand (C>A on the coding strand, the complement: FBN2 is on the minus strand). VCF-style: chr5-128309241-G-T. GRCh37 (hg19) VCF-style: chr5-127644933-G-T.
Identifiers: ClinVar variation 3672604 (VCV003672604.2).

ClinVar aggregate classification (germline): Uncertain significance (1 of 4 stars; one submission).

Conditions:
Congenital contractural arachnodactyly (CCA). Also called: BEALS SYNDROME; Beals-Hecht syndrome; Arthrogryposis, distal, type 9. Identifiers: Orphanet 115, MedGen C0220668, MONDO:0007363, OMIM 121050.

Submission:

Labcorp Genetics (formerly Invitae), Labcorp
Classification: Uncertain significance for Congenital contractural arachnodactyly. Last evaluated: 2024-11-26. Review status: criteria provided, single submitter. Criteria: Invitae Variant Classification Sherloc (09022015). Collection method: clinical testing. Allele origin: germline.
Comment: This sequence change falls in intron 41 of the FBN2 gene. It does not directly change the encoded amino acid sequence of the FBN2 protein. It affects a nucleotide within the consensus splice site. This variant is not present in population databases (gnomAD no frequency). This variant has not been reported in the literature in individuals affected with FBN2-related conditions. Variants that disrupt the consensus splice site are a relatively common cause of aberrant splicing (PMID: 17576681, 9536098). Algorithms developed to predict the effect of sequence changes on RNA splicing suggest that this variant is not likely to affect RNA splicing. In summary, the available evidence is currently insufficient to determine the role of this variant in disease. Therefore, it has been classified as a Variant of Uncertain Significance.

Literature cited by the submitters: PubMed 17576681; PubMed 9536098.